The following is an entry in ClinVar:

NM_145239.3(PRRT2):c.871G>A (p.Ala291Thr)

Genes: MVP-DT (MVP divergent transcript; minus strand), PRRT2 (proline rich transmembrane protein 2; plus strand). Cytogenetic location: 16p11.2.
Variant type: single nucleotide variant.
Coding change: c.871G>A on transcript NM_145239.3 (MANE Select); coding-DNA position 871, G replaced by A.
Protein change: p.Ala291Thr; replaces alanine 291 with threonine.
Molecular consequence: missense variant.
Genome position (GRCh38, 1-based): chr16:29,813,925, G>A. VCF-style: chr16-29813925-G-A. GRCh37 (hg19) VCF-style: chr16-29825246-G-A.
Other names: c.871G>A (NM_001256442.1); c.871G>A, p.Ala291Thr (NM_001256442.2, NM_001256443.2); short protein forms A291T.
Identifiers: ClinVar variation 639782 (VCV000639782.10), dbSNP rs1596893141, ClinGen allele CA395480227.

ClinVar aggregate classification (germline): Uncertain significance. Review status: criteria provided, multiple submitters, no conflicts (2 of 4 stars). 3 submissions from 3 submitters: Uncertain significance (3). Last evaluated 2025-01-22.

Conditions:
PRRT2-Related Disorder. Also called: PRRT2-related disorders. Identifiers: MedGen CN381059.
Episodic kinesigenic dyskinesia (EKD). Also called: Paroxysmal kinesigenic dyskinesia. Identifiers: Orphanet 98809, MedGen C1868682, MONDO:0044202.

Submissions (3):

Labcorp Genetics (formerly Invitae), Labcorp
Classification: Uncertain significance for Episodic kinesigenic dyskinesia. Last evaluated: 2025-01-22. Review status: criteria provided, single submitter. Criteria: Invitae Variant Classification Sherloc (09022015). Collection method: clinical testing. Allele origin: germline.
Comment: This sequence change replaces alanine, which is neutral and non-polar, with threonine, which is neutral and polar, at codon 291 of the PRRT2 protein (p.Ala291Thr). This variant is not present in population databases (gnomAD no frequency). This missense change has been observed in individual(s) with paroxysmal kinesigenic dyskinesia (internal data). ClinVar contains an entry for this variant (Variation ID: 639782). Invitae Evidence Modeling of protein sequence and biophysical properties (such as structural, functional, and spatial information, amino acid conservation, physicochemical variation, residue mobility, and thermodynamic stability) has been performed for this missense variant. However, the output from this modeling did not meet the statistical confidence thresholds required to predict the impact of this variant on PRRT2 protein function. This variant disrupts the p.Ala291 amino acid residue in PRRT2. Other variant(s) that disrupt this residue have been observed in individuals with PRRT2-related conditions (PMID: 23190448), which suggests that this may be a clinically significant amino acid residue. In summary, the available evidence is currently insufficient to determine the role of this variant in disease. Therefore, it has been classified as a Variant of Uncertain Significance.

PreventionGenetics, part of Exact Sciences
Classification: Uncertain significance for PRRT2-related condition. Last evaluated: 2024-10-22. Review status: criteria provided, single submitter. Criteria: ACMG Guidelines, 2015. Collection method: clinical testing. Allele origin: germline.
Comment: The PRRT2 c.871G>A variant is predicted to result in the amino acid substitution p.Ala291Thr. To our knowledge, this variant has not been reported in the literature or in a large population database (gnomAD), indicating this variant is rare. An alternative variant affecting the same amino acid (p.Ala291Val) has been reported in patients with paroxysmal kinesigenic dyskinesia (Zhao. 2019. PubMed ID: 31124310). At this time, the clinical significance of this variant is uncertain due to the absence of conclusive functional and genetic evidence.

GeneDx
Classification: Uncertain significance. Last evaluated: 2023-07-20. Review status: criteria provided, single submitter. Criteria: GeneDx Variant Classification Process June 2021. Collection method: clinical testing. Allele origin: germline. Affected: yes.
Comment: Not observed at significant frequency in large population cohorts (gnomAD); In silico analysis supports that this missense variant does not alter protein structure/function; Has not been previously published as pathogenic or benign to our knowledge

Literature cited by the submitters: PubMed 23190448 (cited by Labcorp Genetics (formerly Invitae), Labcorp).